The following is an entry in ClinVar:

ClinVar aggregate classification (germline): Uncertain significance (0 of 4 stars; one submission).

Conditions:
NLGN2-related disorder. Also called: NLGN2-related condition.

Submission:

PreventionGenetics, part of Exact Sciences
Classification: Uncertain significance for NLGN2-related condition. Last evaluated: 2024-07-12. Review status: no assertion criteria provided. Collection method: clinical testing. Allele origin: germline.
Comment: The NLGN2 c.2506T>C variant is predicted to result in extension of the open reading frame (p.*836Glnext*41). To our knowledge, this variant has not been reported in the literature or in a large population database, indicating this variant is rare. Although we suspect that this variant may be pathogenic, at this time, the clinical significance of this variant is uncertain due to the absence of conclusive functional and genetic evidence.

NM_020795.4(NLGN2):c.2506T>C (p.Ter836Gln)

Gene: NLGN2 (neuroligin 2; plus strand). Cytogenetic location: 17p13.1.
Variant type: single nucleotide variant.
Coding change: c.2506T>C on transcript NM_020795.4 (MANE Select); coding-DNA position 2506, T replaced by C.
Protein change: p.Ter836Gln.
Molecular consequence: stop lost.
Genome position (GRCh38, 1-based): chr17:7,417,797, T>C. VCF-style: chr17-7417797-T-C. GRCh37 (hg19) VCF-style: chr17-7321116-T-C.
Identifiers: ClinVar variation 3354896 (VCV003354896.1).